The following is an entry in ClinVar:

NM_001159699.2(FHL1):c.481G>A (p.Gly161Arg)

Gene: FHL1 (four and a half LIM domains 1; plus strand). Cytogenetic location: Xq26.3.
Variant type: single nucleotide variant.
Coding change: c.481G>A on transcript NM_001159699.2 (MANE Select); coding-DNA position 481, G replaced by A.
Protein change: p.Gly161Arg; replaces glycine 161 with arginine.
Molecular consequence: missense variant. On other transcripts: non-coding transcript variant (1).
Genome position (GRCh38, 1-based): chrX:136,207,893, G>A. VCF-style: chrX-136207893-G-A. GRCh37 (hg19) VCF-style: chrX-135290052-G-A.
Other names: c.433G>A, p.Gly145Arg (NM_001159700.2, NM_001159702.3, NM_001159703.2 and 9 more transcripts); c.520G>A, p.Gly174Arg (NM_001159701.2); c.481G>A, p.Gly161Arg (NM_001330659.2, NM_001440769.1); short protein forms G145R, G174R, G161R.
Identifiers: ClinVar variation 4772549 (VCV004772549.1).

ClinVar aggregate classification (germline): Uncertain significance (1 of 4 stars; one submission).

Conditions:
X-linked myopathy with postural muscle atrophy. Also called: FHL1-Related Emery-Dreifuss Muscular Dystrophy, X-Linked. Identifiers: Orphanet 178461, MedGen C2678055, MONDO:0010401, OMIM 300696.

Submission:

Labcorp Genetics (formerly Invitae), Labcorp
Classification: Uncertain significance for X-linked myopathy with postural muscle atrophy. Last evaluated: 2025-04-28. Review status: criteria provided, single submitter. Criteria: Invitae Variant Classification Sherloc (09022015). Collection method: clinical testing. Allele origin: germline.
Comment: This sequence change replaces glycine, which is neutral and non-polar, with arginine, which is basic and polar, at codon 145 of the FHL1 protein (p.Gly145Arg). This variant is not present in population databases (gnomAD no frequency). This variant has not been reported in the literature in individuals affected with FHL1-related conditions. An algorithm developed to predict the effect of missense changes on protein structure and function (PolyPhen-2) suggests that this variant is likely to be disruptive. In summary, the available evidence is currently insufficient to determine the role of this variant in disease. Therefore, it has been classified as a Variant of Uncertain Significance.